The following is an entry in ClinVar:

NM_001083116.3(PRF1):c.292C>T (p.Gln98Ter)

Gene: PRF1 (perforin 1; minus strand). Cytogenetic location: 10q22.1.
Variant type: single nucleotide variant.
Coding change: c.292C>T on transcript NM_001083116.3 (MANE Select); coding-DNA position 292, C replaced by T.
Protein change: p.Gln98Ter; replaces glutamine 98 with a stop codon.
Molecular consequence: nonsense.
Genome position (GRCh38, 1-based): chr10:70,600,611, G>A on the plus strand (C>T on the coding strand, the complement: PRF1 is on the minus strand). VCF-style: chr10-70600611-G-A. GRCh37 (hg19) VCF-style: chr10-72360367-G-A.
Other names: c.292C>T, p.Gln98Ter (NM_005041.6); short protein forms Q98*.
Identifiers: ClinVar variation 5007728 (VCV005007728.2).

ClinVar aggregate classification (germline): Likely pathogenic (1 of 4 stars; one submission).

Conditions:
Familial hemophagocytic lymphohistiocytosis 2 (FHL2). Also called: PRF1-Related Familial Hemophagocytic Lymphohistiocytosis (PRF1-fHLH). Identifiers: Orphanet 540, MedGen C1863727, MONDO:0011337, OMIM 603553.

Submission:

Juno Genomics, Hangzhou Juno Genomics, Inc
Classification: Likely pathogenic for Familial hemophagocytic lymphohistiocytosis 2. Review status: criteria provided, single submitter. Criteria: ACMG Guidelines, 2015. Collection method: clinical testing. Allele origin: germline.
Comment: Null variant in a gene where loss of function (LOF) is a known mechanism of disease.;Absent from controls (or at extremely low frequency if recessive) in Genome Aggregation Database.